The following is an entry in ClinVar:

ClinVar aggregate classification (germline): Conflicting classifications of pathogenicity. Review status: criteria provided, conflicting classifications (1 of 4 stars). 2 submissions from 2 submitters: Pathogenic (1); Uncertain significance (1). Last evaluated 2024-09-20.

Conditions:
Developmental and epileptic encephalopathy, 28 (DEE28). Also called: Epileptic encephalopathy, early infantile, 28. Identifiers: Orphanet 442835, MedGen C4015519, MONDO:0014533, OMIM 616211.

Submissions (2):

Kids Research, The Children's Hospital at Westmead
Classification: Pathogenic for Developmental and epileptic encephalopathy, 28. Last evaluated: 2024-09-20. Review status: criteria provided, single submitter. Criteria: ACMG Guidelines, 2015. Collection method: research. Allele origin: germline. Affected: yes.
Comment: PM2

GeneDx
Classification: Uncertain significance. Last evaluated: 2020-10-20. Review status: criteria provided, single submitter. Criteria: GeneDx Variant Classification Process June 2021. Collection method: clinical testing. Allele origin: germline. Affected: yes.
Comment: Not observed in large population cohorts (Lek et al., 2016); In silico analysis, which includes protein predictors and evolutionary conservation, supports a deleterious effect; Has not been previously published as pathogenic or benign to our knowledge

NM_016373.4(WWOX):c.416A>C (p.Glu139Ala)

Gene: WWOX (WW domain containing oxidoreductase; plus strand). Cytogenetic location: 16q23.1.
Variant type: single nucleotide variant.
Coding change: c.416A>C on transcript NM_016373.4 (MANE Select); coding-DNA position 416, A replaced by C.
Protein change: p.Glu139Ala; replaces glutamic acid 139 with alanine.
Molecular consequence: missense variant. On other transcripts: non-coding transcript variant (1).
Genome position (GRCh38, 1-based): chr16:78,164,189, A>C. VCF-style: chr16-78164189-A-C. GRCh37 (hg19) VCF-style: chr16-78198086-A-C.
Other names: c.77A>C, p.Glu26Ala (NM_001291997.2); c.416A>C, p.Glu139Ala (NM_130791.5); short protein forms E139A, E26A.
Identifiers: ClinVar variation 1321023 (VCV001321023.3), dbSNP rs2151735391, ClinGen allele CA396841509.